The following is an entry in ClinVar:

NM_001430.5(EPAS1):c.2165T>G (p.Leu722Arg)

Gene: EPAS1 (endothelial PAS domain protein 1; plus strand). Cytogenetic location: 2p21.
Variant type: single nucleotide variant.
Coding change: c.2165T>G on transcript NM_001430.5 (MANE Select); coding-DNA position 2165, T replaced by G.
Protein change: p.Leu722Arg; replaces leucine 722 with arginine.
Molecular consequence: missense variant.
Genome position (GRCh38, 1-based): chr2:46,381,715, T>G. VCF-style: chr2-46381715-T-G. GRCh37 (hg19) VCF-style: chr2-46608854-T-G.
Other names: short protein forms L722R.
Identifiers: ClinVar variation 2626658 (VCV002626658.2), dbSNP rs756173095, ClinGen allele CA1645231.

ClinVar aggregate classification (germline): Uncertain significance (1 of 4 stars; one submission).

Conditions:
Inborn genetic diseases. Identifiers: MedGen C0950123, MeSH D030342.

Allele frequency attached by ClinVar (database versions not stated): gnomAD exomes below 0.00001; ExAC 0.00001.
gnomAD v4.1: 1 of 1,613,760 alleles (0.000062%); highest among the groups gnomAD compares: South Asian, 0.0011%; no homozygotes.

Submission:

Ambry Genetics
Classification: Uncertain significance for Inborn genetic diseases. Last evaluated: 2023-08-01. Review status: criteria provided, single submitter. Criteria: Ambry Variant Classification Scheme 2023. Collection method: clinical testing. Allele origin: germline.
Comment: The p.L722R variant (also known as c.2165T>G), located in coding exon 13 of the EPAS1 gene, results from a T to G substitution at nucleotide position 2165. The leucine at codon 722 is replaced by arginine, an amino acid with dissimilar properties. This amino acid position is conserved. In addition, this alteration is predicted to be tolerated by in silico analysis. Since supporting evidence is limited at this time, the clinical significance of this alteration remains unclear.